The following is an entry in ClinVar:

NM_005751.5(AKAP9):c.9881G>A (p.Arg3294Gln)

Gene: AKAP9 (A-kinase anchoring protein 9; plus strand). Cytogenetic location: 7q21.2.
Variant type: single nucleotide variant.
Coding change: c.9881G>A on transcript NM_005751.5 (MANE Select); coding-DNA position 9881, G replaced by A.
Protein change: p.Arg3294Gln; replaces arginine 3294 with glutamine.
Molecular consequence: missense variant.
Genome position (GRCh38, 1-based): chr7:92,096,840, G>A. VCF-style: chr7-92096840-G-A. GRCh37 (hg19) VCF-style: chr7-91726154-G-A.
Other names: c.4526G>A, p.Arg1509Gln (NM_001379277.1); c.9857G>A, p.Arg3286Gln (NM_147185.3); short protein forms R3294Q, R3286Q, R1509Q.
Identifiers: ClinVar variation 412024 (VCV000412024.12), dbSNP rs752685614, ClinGen allele CA4337864.

ClinVar aggregate classification (germline): Conflicting classifications of pathogenicity. Review status: criteria provided, conflicting classifications (1 of 4 stars). 4 submissions from 4 submitters: Uncertain significance (2); Benign (1); Likely benign (1). Last evaluated 2024-06-18.

Conditions:
Cardiovascular phenotype. Identifiers: MedGen CN230736.
Long QT syndrome (LQTS). Identifiers: MedGen C0023976, MeSH D008133, MONDO:0002442. Disease mechanism: loss of function. Inheritance: Various modes of inheritance.

Allele frequency attached by ClinVar (database versions not stated): gnomAD 0.00001; gnomAD exomes 0.00004 and 0.00001; ExAC 0.00004; TOPMed 0.00003.

Submissions (4):

Labcorp Genetics (formerly Invitae), Labcorp
Classification: Uncertain significance for Long QT syndrome. Last evaluated: 2024-06-18. Review status: criteria provided, single submitter. Criteria: Invitae Variant Classification Sherloc (09022015). Collection method: clinical testing. Allele origin: germline.
Comment: This sequence change replaces arginine, which is basic and polar, with glutamine, which is neutral and polar, at codon 3294 of the AKAP9 protein (p.Arg3294Gln). This variant is present in population databases (rs752685614, gnomAD 0.03%). This missense change has been observed in individual(s) with sudden unexplained death (PMID: 29247119). ClinVar contains an entry for this variant (Variation ID: 412024). Algorithms developed to predict the effect of missense changes on protein structure and function output the following: SIFT: "Not Available"; PolyPhen-2: "Probably Damaging"; Align-GVGD: "Not Available". The glutamine amino acid residue is found in multiple mammalian species, which suggests that this missense change does not adversely affect protein function. In summary, the available evidence is currently insufficient to determine the role of this variant in disease. Therefore, it has been classified as a Variant of Uncertain Significance.

Ambry Genetics
Classification: Benign for Cardiovascular phenotype. Last evaluated: 2024-01-17. Review status: criteria provided, single submitter. Criteria: Ambry Variant Classification Scheme 2023. Collection method: clinical testing. Allele origin: germline.

Women's Health and Genetics/Laboratory Corporation of America, LabCorp
Classification: Likely benign. Last evaluated: 2023-02-15. Review status: criteria provided, single submitter. Criteria: LabCorp Variant Classification Summary - May 2015. Collection method: clinical testing. Allele origin: germline.
Comment: Variant summary: AKAP9 c.9881G>A (p.Arg3294Gln) results in a conservative amino acid change in the encoded protein sequence. Five of five in-silico tools predict a benign effect of the variant on protein function. The variant allele was found at a frequency of 4e-05 in 251344 control chromosomes (gnomAD). The observed variant frequency is approximately 12 fold of the estimated maximal expected allele frequency for a pathogenic variant in AKAP9 causing Long QT Syndrome (3.3e-06), strongly suggesting that the variant is benign. c.9881G>A has been reported in the literature occuring in a cohort of individuals who had Sudden Unexplained Death (Lin_2017). This report does not provide unequivocal conclusions about association of the variant with Long QT Syndrome. To our knowledge, no experimental evidence demonstrating an impact on protein function has been reported. Two ClinVar submitters have assessed the variant since 2014: both classified the variant as uncertain significance. Based on the evidence outlined above, the variant was classified as likely benign.

Stanford Center for Inherited Cardiovascular Disease, Stanford University
Classification: Uncertain significance. Last evaluated: 2016-11-18. Review status: criteria provided, single submitter. Criteria: ACMG Guidelines, 2015. Collection method: provider interpretation. Allele origin: germline.

Literature cited by the submitters: PubMed 29247119 (cited by Labcorp Genetics (formerly Invitae), Labcorp and Women's Health and Genetics/Laboratory Corporation of America, LabCorp).